The following is an entry in ClinVar:

ClinVar aggregate classification (germline): Uncertain significance. Review status: criteria provided, multiple submitters, no conflicts (2 of 4 stars). 3 submissions from 3 submitters: Uncertain significance (3). Last evaluated 2025-07-31.

Conditions:
Inborn genetic diseases. Identifiers: MedGen C0950123, MeSH D030342.

Allele frequency attached by ClinVar (database versions not stated): gnomAD exomes 0.00002; ExAC 0.00004; gnomAD 0.00007 and 0.00009; TOPMed 0.00008.
gnomAD v4.1: 38 of 1,613,192 alleles (0.0024%); highest among the groups gnomAD compares: African/African-American, 0.017%; no homozygotes.

Submissions (3):

Ambry Genetics
Classification: Uncertain significance for Inborn genetic diseases. Last evaluated: 2025-07-31. Review status: criteria provided, single submitter. Criteria: Ambry Variant Classification Scheme 2023. Collection method: clinical testing. Allele origin: germline.

Blueprint Genetics
Classification: Uncertain significance. Last evaluated: 2023-08-09. Review status: criteria provided, single submitter. Criteria: ACMG Guidelines, 2015. Collection method: clinical testing. Allele origin: germline.

Labcorp Genetics (formerly Invitae), Labcorp
Classification: Uncertain significance. Last evaluated: 2022-03-10. Review status: criteria provided, single submitter. Criteria: Invitae Variant Classification Sherloc (09022015). Collection method: clinical testing. Allele origin: germline.
Comment: This sequence change replaces arginine, which is basic and polar, with histidine, which is basic and polar, at codon 78 of the TTLL5 protein (p.Arg78His). This variant is present in population databases (rs750217504, gnomAD 0.03%). This variant has not been reported in the literature in individuals affected with TTLL5-related conditions. ClinVar contains an entry for this variant (Variation ID: 998672). Algorithms developed to predict the effect of missense changes on protein structure and function are either unavailable or do not agree on the potential impact of this missense change (SIFT: "Deleterious"; PolyPhen-2: "Possibly Damaging"; Align-GVGD: "Class C0"). In summary, the available evidence is currently insufficient to determine the role of this variant in disease. Therefore, it has been classified as a Variant of Uncertain Significance.

NM_015072.5(TTLL5):c.233G>A (p.Arg78His)

Gene: TTLL5 (tubulin tyrosine ligase like 5; plus strand). Cytogenetic location: 14q24.3.
Variant type: single nucleotide variant.
Coding change: c.233G>A on transcript NM_015072.5 (MANE Select); coding-DNA position 233, G replaced by A.
Protein change: p.Arg78His; replaces arginine 78 with histidine.
Molecular consequence: missense variant.
Genome position (GRCh38, 1-based): chr14:75,681,596, G>A. VCF-style: chr14-75681596-G-A. GRCh37 (hg19) VCF-style: chr14-76147939-G-A.
Other names: c.233G>A (NM_015072.4); short protein forms R78H.
Identifiers: ClinVar variation 998672 (VCV000998672.9), dbSNP rs750217504, ClinGen allele CA7278853.
Genomic context (GRCh38, chr14:75,681,596, plus strand): 5'-TTTCTTTAGAACGTTATCATTTGTCTTATAAGATTGTACGAACGGACAGTCGCCTAGTAC[G>A]CAGCATTCTGACAGCCCATGGATTTCATGAAGTAAGTTTATTTTTAATACCTCACCTGAT-3'
Protein context (NP_055887.3, residues 68-88): KIVRTDSRLV[Arg78His]SILTAHGFHE